The following is an entry in ClinVar:

ClinVar aggregate classification (germline): Uncertain significance (1 of 4 stars; one submission).

Submission:

Labcorp Genetics (formerly Invitae), Labcorp
Classification: Uncertain significance. Last evaluated: 2022-08-17. Review status: criteria provided, single submitter. Criteria: Invitae Variant Classification Sherloc (09022015). Collection method: clinical testing. Allele origin: germline.
Comment: This variant is not present in population databases (gnomAD no frequency). In summary, the available evidence is currently insufficient to determine the role of this variant in disease. Therefore, it has been classified as a Variant of Uncertain Significance. Algorithms developed to predict the effect of missense changes on protein structure and function output the following: SIFT: "Tolerated"; PolyPhen-2: "Benign"; Align-GVGD: "Class C0". The serine amino acid residue is found in multiple mammalian species, which suggests that this missense change does not adversely affect protein function. This variant has not been reported in the literature in individuals affected with MICAL1-related conditions. This sequence change replaces threonine, which is neutral and polar, with serine, which is neutral and polar, at codon 821 of the MICAL1 protein (p.Thr821Ser).

NM_022765.4(MICAL1):c.2405C>G (p.Thr802Ser)

Gene: MICAL1 (microtubule associated monooxygenase, calponin and LIM domain containing 1; minus strand). Cytogenetic location: 6q21.
Variant type: single nucleotide variant.
Coding change: c.2405C>G on transcript NM_022765.4 (MANE Select); coding-DNA position 2405, C replaced by G.
Protein change: p.Thr802Ser; replaces threonine 802 with serine.
Molecular consequence: missense variant.
Genome position (GRCh38, 1-based): chr6:109,446,312, G>C on the plus strand (C>G on the coding strand, the complement: MICAL1 is on the minus strand). VCF-style: chr6-109446312-G-C. GRCh37 (hg19) VCF-style: chr6-109767515-G-C.
Other names: c.2147C>G, p.Thr716Ser (NM_001159291.2); c.2462C>G, p.Thr821Ser (NM_001286613.2); short protein forms T716S, T802S, T821S.
Identifiers: ClinVar variation 1963899 (VCV001963899.5), dbSNP rs2482775139, ClinGen allele CA365223728.